The following is an entry in ClinVar:

ClinVar aggregate classification (germline): Benign. Review status: criteria provided, multiple submitters, no conflicts (2 of 4 stars). 3 submissions from 2 submitters: Benign (3). Last evaluated 2018-01-12.

Conditions:
Ocular cystinosis. Also called: Non-Nephropathic (Ocular) Cystinosis; Non-Nephropathic Cystinosis. Identifiers: Orphanet 213, Orphanet 411641, MedGen C2931013, MONDO:0009064, OMIM 219750.
Nephropathic cystinosis (CTNS). Also called: CYSTINOSIN, DEFECT OF; LYSOSOMAL CYSTINE TRANSPORT PROTEIN, DEFECT OF; Abderhalden Lignac Kaufmann disease; Abderhalden-Kaufmann-Lignac syndrome. Identifiers: Orphanet 213, Orphanet 411629, MedGen C2931187, MONDO:0100151, OMIM 219800.

Allele frequency attached by ClinVar (database versions not stated): gnomAD 0.13232 and 0.13545; TOPMed 0.13798; 1000 Genomes Project 30x 0.17130; 1000 Genomes Project 0.17232.

Submissions (3):

Illumina Laboratory Services, Illumina
Classification: Benign for Nephropathic cystinosis. Last evaluated: 2018-01-12. Review status: criteria provided, single submitter. Criteria: ICSL Variant Classification Criteria 13 December 2019. Collection method: clinical testing. Allele origin: germline.
Comment: This variant was observed in the ICSL laboratory as part of a predisposition screen in an ostensibly healthy population. It had not been previously curated by ICSL or reported in the Human Gene Mutation Database (HGMD: prior to June 1st, 2018), and was therefore a candidate for classification through an automated scoring system. Utilizing variant allele frequency, disease prevalence and penetrance estimates, and inheritance mode, an automated score was calculated to assess if this variant is too frequent to cause the disease. Based on the score and internal cut-off values, a variant classified as benign is not then subjected to further curation. The score for this variant resulted in a classification of benign for this disease.

Illumina Laboratory Services, Illumina
Classification: Benign for Ocular cystinosis. Last evaluated: 2018-01-12. Review status: criteria provided, single submitter. Criteria: ICSL Variant Classification Criteria 13 December 2019. Collection method: clinical testing. Allele origin: germline.
Comment: the same text as in the submission from Illumina Laboratory Services, Illumina above.

Breakthrough Genomics
Classification: Benign. Review status: criteria provided, single submitter. Criteria: ACMG Guidelines, 2015. Collection method: not provided. Allele origin: germline. Inheritance: Autosomal recessive inheritance. Affected: yes.

NM_004937.3(CTNS):c.*2550G>A

Genes: CTNS (cystinosin, lysosomal cystine transporter; plus strand), P2RX5-TAX1BP3 (P2RX5-TAX1BP3 readthrough (NMD candidate); minus strand), TAX1BP3 (Tax1 binding protein 3; minus strand). Cytogenetic location: 17p13.2.
Variant type: single nucleotide variant.
Coding change: c.*2550G>A on transcript NM_004937.3 (MANE Select); 2550 bases downstream of the stop codon, G replaced by A.
Molecular consequence: 3 prime UTR variant. On other transcripts: non-coding transcript variant (1).
Genome position (GRCh38, 1-based): chr17:3,662,919, G>A. VCF-style: chr17-3662919-G-A. GRCh37 (hg19) VCF-style: chr17-3566213-G-A.
Other names: c.*2185G>A (NM_001031681.3, NM_001374492.1); c.*2550G>A (NM_001374493.1, NM_001374494.1, NM_001374495.1 and 1 more transcripts); c.*829C>T (NM_001204698.2, NM_014604.4).
Identifiers: ClinVar variation 322919 (VCV000322919.6), dbSNP rs1128098, ClinGen allele CA10649134.